The following is an entry in ClinVar:

NM_000489.6(ATRX):c.139A>G (p.Ile47Val)

Gene: ATRX (ATRX chromatin remodeler; minus strand). Cytogenetic location: Xq21.1.
Variant type: single nucleotide variant.
Coding change: c.139A>G on transcript NM_000489.6 (MANE Select); coding-DNA position 139, A replaced by G.
Protein change: p.Ile47Val; replaces isoleucine 47 with valine.
Molecular consequence: missense variant.
Genome position (GRCh38, 1-based): chrX:77,698,624, T>C on the plus strand (A>G on the coding strand, the complement: ATRX is on the minus strand). VCF-style: chrX-77698624-T-C. GRCh37 (hg19) VCF-style: chrX-76954112-T-C.
Other names: c.139A>G, p.Ile47Val (NM_138270.5); short protein forms I47V.
Identifiers: ClinVar variation 1691759 (VCV001691759.4), dbSNP rs782584831, ClinGen allele CA10458370.

ClinVar aggregate classification (germline): Uncertain significance. Review status: criteria provided, multiple submitters, no conflicts (2 of 4 stars). 2 submissions from 2 submitters: Uncertain significance (2). Last evaluated 2021-12-17.

Conditions:
Inborn genetic diseases. Identifiers: MedGen C0950123, MeSH D030342.

Allele frequency attached by ClinVar (database versions not stated): ExAC 0.00001; gnomAD exomes 0.00001.

Submissions (2):

GeneDx
Classification: Uncertain significance. Last evaluated: 2021-12-17. Review status: criteria provided, single submitter. Criteria: GeneDx Variant Classification Process June 2021. Collection method: clinical testing. Allele origin: germline. Affected: yes.
Comment: Not observed at significant frequency in large population cohorts (gnomAD); In silico analysis supports that this missense variant does not alter protein structure/function; Has not been previously published as pathogenic or benign to our knowledge

Ambry Genetics
Classification: Uncertain significance for Inborn genetic diseases. Last evaluated: 2020-09-18. Review status: criteria provided, single submitter. Criteria: Ambry Variant Classification Scheme 2023. Collection method: clinical testing. Allele origin: germline.
Comment: The p.I47V variant (also known as c.139A>G), located in coding exon 3 of the ATRX gene, results from an A to G substitution at nucleotide position 139. The isoleucine at codon 47 is replaced by valine, an amino acid with highly similar properties. This amino acid position is poorly conserved in available vertebrate species. Based on data from gnomAD, the G allele has an overall frequency of 0.0025% (2/81609) total alleles studied with no hemizygotes. In addition, this alteration is predicted to be tolerated by in silico analysis. Since supporting evidence is limited at this time, the clinical significance of this alteration remains unclear.